The following is an entry in ClinVar:

NM_006767.4(LZTR1):c.2367G>C (p.Lys789Asn)

Gene: LZTR1 (leucine zipper like post translational regulator 1; plus strand). Cytogenetic location: 22q11.21.
Variant type: single nucleotide variant.
Coding change: c.2367G>C on transcript NM_006767.4 (MANE Select); coding-DNA position 2367, G replaced by C.
Protein change: p.Lys789Asn; replaces lysine 789 with asparagine.
Molecular consequence: missense variant.
Genome position (GRCh38, 1-based): chr22:20,996,927, G>C. VCF-style: chr22-20996927-G-C. GRCh37 (hg19) VCF-style: chr22-21351216-G-C.
Other names: c.2367G>C (NM_006767.3); short protein forms K789N.
Identifiers: ClinVar variation 2962938 (VCV002962938.4), dbSNP rs757388757, ClinGen allele CA410781063.

ClinVar aggregate classification (germline): Uncertain significance. Review status: criteria provided, multiple submitters, no conflicts (2 of 4 stars). 2 submissions from 2 submitters: Uncertain significance (2). Last evaluated 2025-09-03.

Conditions:
Cardiovascular phenotype. Identifiers: MedGen CN230736.
Hereditary cancer-predisposing syndrome. Also called: Tumor predisposition; Hereditary neoplastic syndrome; Hereditary Cancer Syndrome; Neoplastic Syndromes, Hereditary. Identifiers: Orphanet 140162, MedGen C0027672, MeSH D009386, MONDO:0015356.

Allele frequency attached by ClinVar (database versions not stated): TOPMed 0.00001.

Submissions (2):

Labcorp Genetics (formerly Invitae), Labcorp
Classification: Uncertain significance. Last evaluated: 2025-09-03. Review status: criteria provided, single submitter. Criteria: Invitae Variant Classification Sherloc (09022015). Collection method: clinical testing. Allele origin: germline.
Comment: This sequence change replaces lysine, which is basic and polar, with asparagine, which is neutral and polar, at codon 789 of the LZTR1 protein (p.Lys789Asn). This variant is not present in population databases (gnomAD no frequency). This variant has not been reported in the literature in individuals affected with LZTR1-related conditions. ClinVar contains an entry for this variant (Variation ID: 2962938). Invitae Evidence Modeling of protein sequence and biophysical properties (such as structural, functional, and spatial information, amino acid conservation, physicochemical variation, residue mobility, and thermodynamic stability) indicates that this missense variant is not expected to disrupt LZTR1 protein function with a negative predictive value of 80%. In summary, the available evidence is currently insufficient to determine the role of this variant in disease. Therefore, it has been classified as a Variant of Uncertain Significance.

Ambry Genetics
Classification: Uncertain significance for Cardiovascular phenotype; Hereditary cancer-predisposing syndrome. Last evaluated: 2024-08-18. Review status: criteria provided, single submitter. Criteria: Ambry Variant Classification Scheme 2023. Collection method: clinical testing. Allele origin: germline.
Comment: The p.K789N variant (also known as c.2367G>C), located in coding exon 20 of the LZTR1 gene, results from a G to C substitution at nucleotide position 2367. The lysine at codon 789 is replaced by asparagine, an amino acid with similar properties. This amino acid position is conserved. In addition, the in silico prediction for this alteration is inconclusive. Based on the available evidence, the clinical significance of this variant remains unclear.